The following is an entry in ClinVar:

ClinVar aggregate classification (germline): Likely benign. Review status: criteria provided, multiple submitters, no conflicts (2 of 4 stars). 2 submissions from 2 submitters: Likely benign (2). Last evaluated 2024-03-07.

Conditions:
Mendelian susceptibility to mycobacterial diseases due to complete IL12RB1 deficiency. Also called: IL12RB1 DEFICIENCY; Immunodeficiency 30. Identifiers: Orphanet 319552, MedGen C4013949, MONDO:0013955, OMIM 614891.

Allele frequency attached by ClinVar (database versions not stated): gnomAD 0.00001; gnomAD exomes 0.00001; TOPMed 0.00002; ESP Exome Variant Server 0.00008.
gnomAD v4.1: 20 of 1,613,884 alleles (0.0012%); highest among the groups gnomAD compares: Non-Finnish European, 0.0016%; no homozygotes.

Submissions (2):

Labcorp Genetics (formerly Invitae), Labcorp
Classification: Likely benign for Mendelian susceptibility to mycobacterial diseases due to complete IL12RB1 deficiency. Last evaluated: 2024-03-07. Review status: criteria provided, single submitter. Criteria: Invitae Variant Classification Sherloc (09022015). Collection method: clinical testing. Allele origin: germline.

CeGaT Center for Human Genetics Tuebingen
Classification: Likely benign. Last evaluated: 2023-04-01. Review status: criteria provided, single submitter. Criteria: CeGaT Center For Human Genetics Tuebingen Variant Classification Criteria Version 2. Collection method: clinical testing. Allele origin: germline. Affected: yes. Observed: 1 variant allele.
Comment: IL12RB1: BP4, BP7

NM_005535.3(IL12RB1):c.99C>T (p.Asp33=)

Gene: IL12RB1 (interleukin 12 receptor subunit beta 1; minus strand). Cytogenetic location: 19p13.11.
Variant type: single nucleotide variant.
Coding change: c.99C>T on transcript NM_005535.3 (MANE Select); coding-DNA position 99, C replaced by T.
Protein change: p.Asp33=; no amino-acid change (aspartic acid 33 retained).
Molecular consequence: synonymous variant.
Genome position (GRCh38, 1-based): chr19:18,083,457, G>A on the plus strand (C>T on the coding strand, the complement: IL12RB1 is on the minus strand). VCF-style: chr19-18083457-G-A. GRCh37 (hg19) VCF-style: chr19-18194267-G-A.
Other names: c.99C>T, p.Asp33= (NM_001290023.2, NM_153701.3); c.219C>T, p.Asp73= (NM_001290024.2).
Identifiers: ClinVar variation 2649562 (VCV002649562.26), dbSNP rs148043883, ClinGen allele CA306138790.